The following is an entry in ClinVar:

ClinVar aggregate classification (germline): Uncertain significance. Review status: criteria provided, multiple submitters, no conflicts (2 of 4 stars). 3 submissions from 3 submitters: Uncertain significance (3). Last evaluated 2025-08-12.

Conditions:
Age related macular degeneration 1 (ARMD1). Also called: MACULOPATHY, AGE-RELATED, 1. Identifiers: MedGen C1864205, MONDO:0011285, OMIM 603075.

Allele frequency attached by ClinVar (database versions not stated): gnomAD exomes below 0.00001; ExAC 0.00002; gnomAD 0.00002; TOPMed 0.00002.
gnomAD v4.1: 9 of 1,614,066 alleles (0.00056%); highest among the groups gnomAD compares: African/African-American, 0.0067%; no homozygotes.

Submissions (3):

Labcorp Genetics (formerly Invitae), Labcorp
Classification: Uncertain significance. Last evaluated: 2025-08-12. Review status: criteria provided, single submitter. Criteria: Invitae Variant Classification Sherloc (09022015). Collection method: clinical testing. Allele origin: germline.
Comment: This sequence change replaces glycine, which is neutral and non-polar, with serine, which is neutral and polar, at codon 4025 of the HMCN1 protein (p.Gly4025Ser). This variant is present in population databases (rs771808445, gnomAD 0.01%). This variant has not been reported in the literature in individuals affected with HMCN1-related conditions. ClinVar contains an entry for this variant (Variation ID: 2057326). An algorithm developed to predict the effect of missense changes on protein structure and function (PolyPhen-2) suggests that this variant is likely to be disruptive. In summary, the available evidence is currently insufficient to determine the role of this variant in disease. Therefore, it has been classified as a Variant of Uncertain Significance.

Genome-Nilou Lab
Classification: Uncertain significance for Age related macular degeneration 1. Last evaluated: 2023-04-11. Review status: criteria provided, single submitter. Criteria: ACMG Guidelines, 2015. Collection method: clinical testing. Allele origin: germline. Affected: no.

Ambry Genetics
Classification: Uncertain significance. Last evaluated: 2022-08-12. Review status: criteria provided, single submitter. Criteria: Ambry Variant Classification Scheme 2023. Collection method: clinical testing. Allele origin: germline.

NM_031935.3(HMCN1):c.12073G>A (p.Gly4025Ser)

Gene: HMCN1 (hemicentin 1; plus strand). Cytogenetic location: 1q31.1.
Variant type: single nucleotide variant.
Coding change: c.12073G>A on transcript NM_031935.3 (MANE Select); coding-DNA position 12073, G replaced by A.
Protein change: p.Gly4025Ser; replaces glycine 4025 with serine.
Molecular consequence: missense variant.
Genome position (GRCh38, 1-based): chr1:186,119,861, G>A. VCF-style: chr1-186119861-G-A. GRCh37 (hg19) VCF-style: chr1-186088993-G-A.
Other names: short protein forms G4025S.
Identifiers: ClinVar variation 2057326 (VCV002057326.6), dbSNP rs771808445, ClinGen allele CA1294242.